The following is an entry in ClinVar:

ClinVar aggregate classification (germline): Uncertain significance (1 of 4 stars; one submission).

Conditions:
Long QT syndrome (LQTS). Identifiers: MedGen C0023976, MeSH D008133, MONDO:0002442. Disease mechanism: loss of function. Inheritance: Various modes of inheritance.

Allele frequency attached by ClinVar (database versions not stated): gnomAD exomes below 0.00001.
gnomAD v4.1: 1 of 1,613,370 alleles (0.000062%); highest among the groups gnomAD compares: Non-Finnish European, 0.000085%; no homozygotes.

Submission:

Labcorp Genetics (formerly Invitae), Labcorp
Classification: Uncertain significance for Long QT syndrome. Last evaluated: 2020-10-15. Review status: criteria provided, single submitter. Criteria: Invitae Variant Classification Sherloc (09022015). Collection method: clinical testing. Allele origin: germline.
Comment: This sequence change replaces leucine with phenylalanine at codon 1735 of the AKAP9 protein (p.Leu1735Phe). The leucine residue is highly conserved and there is a small physicochemical difference between leucine and phenylalanine. This variant is not present in population databases (ExAC no frequency). This variant has not been reported in the literature in individuals with AKAP9-related conditions. Algorithms developed to predict the effect of missense changes on protein structure and function are either unavailable or do not agree on the potential impact of this missense change (SIFT: "Deleterious"; PolyPhen-2: "Probably Damaging"; Align-GVGD: "Class C0"). In summary, the available evidence is currently insufficient to determine the role of this variant in disease. Therefore, it has been classified as a Variant of Uncertain Significance.

NM_005751.5(AKAP9):c.5203C>T (p.Leu1735Phe)

Gene: AKAP9 (A-kinase anchoring protein 9; plus strand). Cytogenetic location: 7q21.2.
Variant type: single nucleotide variant.
Coding change: c.5203C>T on transcript NM_005751.5 (MANE Select); coding-DNA position 5203, C replaced by T.
Protein change: p.Leu1735Phe; replaces leucine 1735 with phenylalanine.
Molecular consequence: missense variant.
Genome position (GRCh38, 1-based): chr7:92,045,048, C>T. VCF-style: chr7-92045048-C-T. GRCh37 (hg19) VCF-style: chr7-91674362-C-T.
Other names: c.5203C>T, p.Leu1735Phe (NM_147185.3); short protein forms L1735F.
Identifiers: ClinVar variation 1053251 (VCV001053251.9), dbSNP rs1328671206, ClinGen allele CA368130554.
Genomic context (GRCh38, chr7:92,045,048, plus strand): 5'-GTGCTTCTTTATCTATACAGGTATGCACTCCAGAAAGCTAATAATAGACTTTTGAAGATC[C>T]TCTTAGAAGTTGTAAAGACAACAGCAGCTGTTGAAGAAACAATTGGTCGCCATGTCCTTG-3'
Protein context (NP_005742.4, residues 1725-1745): QKANNRLLKI[Leu1735Phe]LEVVKTTAAV